The following is an entry in ClinVar:

NM_024422.6(DSC2):c.578G>T (p.Gly193Val)

Gene: DSC2 (desmocollin 2; minus strand). Cytogenetic location: 18q12.1.
Variant type: single nucleotide variant.
Coding change: c.578G>T on transcript NM_024422.6 (MANE Select); coding-DNA position 578, G replaced by T.
Protein change: p.Gly193Val; replaces glycine 193 with valine.
Molecular consequence: missense variant.
Genome position (GRCh38, 1-based): chr18:31,089,491, C>A on the plus strand (G>T on the coding strand, the complement: DSC2 is on the minus strand). VCF-style: chr18-31089491-C-A. GRCh37 (hg19) VCF-style: chr18-28669454-C-A.
Other names: c.578G>T, p.Gly193Val (NM_004949.5); c.149G>T, p.Gly50Val (NM_001406506.1, NM_001406507.1); short protein forms G193V, G50V.
Identifiers: ClinVar variation 4074531 (VCV004074531.1).

ClinVar aggregate classification (germline): Uncertain significance (1 of 4 stars; one submission).

Submission:

GeneDx
Classification: Uncertain significance. Last evaluated: 2025-02-04. Review status: criteria provided, single submitter. Criteria: GeneDx Variant Classification Process June 2021. Collection method: clinical testing. Allele origin: germline. Affected: yes.
Comment: Not observed at significant frequency in large population cohorts (gnomAD); In silico analysis supports that this missense variant has a deleterious effect on protein structure/function; Has not been previously published as pathogenic or benign to our knowledge